The following is an entry in ClinVar:

ClinVar aggregate classification (germline): Likely benign. Review status: criteria provided, single submitter (1 of 4 stars). 2 submissions from 2 submitters: Likely benign (1). 1 of the submissions does not count toward it. Last evaluated 2025-02-27.

Conditions:
CD320-related disorder. Also called: CD320-related condition.
Methylmalonic acidemia due to transcobalamin receptor defect (MATR). Also called: METHYLMALONIC ACIDURIA, TRANSIENT, DUE TO TRANSCOBALAMIN RECEPTOR DEFECT; METHYLMALONIC ACIDEMIA, TCblR TYPE. Identifiers: Orphanet 280183, MedGen C4749905, MONDO:0013341, OMIM 613646.

Allele frequency attached by ClinVar (database versions not stated): ExAC 0.00004; gnomAD 0.00005; TOPMed 0.00010; ESP Exome Variant Server 0.00015; 1000 Genomes Project 30x 0.00016; 1000 Genomes Project 0.00020; gnomAD exomes 0.00001.

Submissions (2):

Labcorp Genetics (formerly Invitae), Labcorp
Classification: Likely benign for Methylmalonic acidemia due to transcobalamin receptor defect. Last evaluated: 2025-02-27. Review status: criteria provided, single submitter. Criteria: Invitae Variant Classification Sherloc (09022015). Collection method: clinical testing. Allele origin: germline.

PreventionGenetics, part of Exact Sciences
Classification: Likely benign for CD320-related condition. Last evaluated: 2019-05-27. Review status: no assertion criteria provided. Collection method: clinical testing. Allele origin: germline. Not counted in ClinVar's aggregate classification.
Comment: This variant is classified as likely benign based on ACMG/AMP sequence variant interpretation guidelines (Richards et al. 2015 PMID: 25741868, with internal and published modifications).

NM_016579.4(CD320):c.613C>T (p.Leu205=)

Gene: CD320 (CD320 molecule; minus strand). Cytogenetic location: 19p13.2.
Variant type: single nucleotide variant.
Coding change: c.613C>T on transcript NM_016579.4 (MANE Select); coding-DNA position 613, C replaced by T.
Protein change: p.Leu205=; no amino-acid change (leucine 205 retained).
Molecular consequence: synonymous variant.
Genome position (GRCh38, 1-based): chr19:8,302,870, G>A on the plus strand (C>T on the coding strand, the complement: CD320 is on the minus strand). VCF-style: chr19-8302870-G-A. GRCh37 (hg19) VCF-style: chr19-8367754-G-A.
Other names: c.487C>T, p.Leu163= (NM_001165895.2).
Identifiers: ClinVar variation 3039660 (VCV003039660.3), dbSNP rs139075923, ClinGen allele CA9154673.